The following is an entry in ClinVar:

ClinVar aggregate classification (germline): Uncertain significance (1 of 4 stars; one submission).

Conditions:
Familial hemophagocytic lymphohistiocytosis 5. Also called: STXBP2-Related Familial Hemophagocytic Lymphohistiocytosis (STXBP2-fHLH). Identifiers: Orphanet 540, MedGen C2751293, MONDO:0013135, OMIM 613101.

Allele frequency attached by ClinVar (database versions not stated): gnomAD exomes below 0.00001.
gnomAD v4.1: 1 of 1,613,986 alleles (0.000062%); highest among the groups gnomAD compares: South Asian, 0.0011%; no homozygotes.

Submission:

Labcorp Genetics (formerly Invitae), Labcorp
Classification: Uncertain significance for Familial hemophagocytic lymphohistiocytosis 5. Last evaluated: 2023-08-27. Review status: criteria provided, single submitter. Criteria: Invitae Variant Classification Sherloc (09022015). Collection method: clinical testing. Allele origin: germline.
Comment: In summary, the available evidence is currently insufficient to determine the role of this variant in disease. Therefore, it has been classified as a Variant of Uncertain Significance. This variant has not been reported in the literature in individuals affected with STXBP2-related conditions. This sequence change replaces threonine, which is neutral and polar, with asparagine, which is neutral and polar, at codon 268 of the STXBP2 protein (p.Thr268Asn). This variant is present in population databases (no rsID available, gnomAD 0.003%). Advanced modeling of protein sequence and biophysical properties (such as structural, functional, and spatial information, amino acid conservation, physicochemical variation, residue mobility, and thermodynamic stability) performed at Invitae indicates that this missense variant is not expected to disrupt STXBP2 protein function.

NM_006949.4(STXBP2):c.803C>A (p.Thr268Asn)

Gene: STXBP2 (syntaxin binding protein 2; plus strand). Cytogenetic location: 19p13.2.
Variant type: single nucleotide variant.
Coding change: c.803C>A on transcript NM_006949.4 (MANE Select); coding-DNA position 803, C replaced by A.
Protein change: p.Thr268Asn; replaces threonine 268 with asparagine.
Molecular consequence: missense variant. On other transcripts: non-coding transcript variant (1).
Genome position (GRCh38, 1-based): chr19:7,642,437, C>A. VCF-style: chr19-7642437-C-A. GRCh37 (hg19) VCF-style: chr19-7707323-C-A.
Other names: c.794C>A, p.Thr265Asn (NM_001127396.3); c.836C>A, p.Thr279Asn (NM_001272034.2); c.707C>A, p.Thr236Asn (NM_001414484.1); short protein forms T236N, T268N, T265N, T279N.
Identifiers: ClinVar variation 2755258 (VCV002755258.3), dbSNP rs1325120124, ClinGen allele CA403159673.
Genomic context (GRCh38, chr19:7,642,437, plus strand): 5'-GTTCCCCAGTCCTCAGCTCCCCTGACCCCCAGGCTCCCTCCTTCCTCCCCAGGTATGAGA[C>A]CACCGGGCTGAGCGAGGCGCGGGAGAAGGCCGTCTTGCTGGACGAGGACGATGACTTGTG-3'
Protein context (NP_008880.2, residues 258-278): DIEQDTYRYE[Thr268Asn]TGLSEAREKA